The following is an entry in ClinVar:

ClinVar aggregate classification (germline): Likely pathogenic (1 of 4 stars; one submission).

Conditions:
Cardiovascular phenotype. Identifiers: MedGen CN230736.

Submission:

Ambry Genetics
Classification: Likely pathogenic for Cardiovascular phenotype. Last evaluated: 2020-05-29. Review status: criteria provided, single submitter. Criteria: Ambry Variant Classification Scheme 2023. Collection method: clinical testing. Allele origin: germline.
Comment: The p.L17819* variant (also known as c.53456T>A), located in coding exon 153 of the TTN gene, results from a T to A substitution at nucleotide position 53456. This changes the amino acid from a leucine to a stop codon within coding exon 153. This exon is located in the A-band region of the N2-B isoform of the titin protein and is constitutively expressed in TTN transcripts (percent spliced in or PSI 100%). This alteration is expected to result in loss of function by premature protein truncation or nonsense-mediated mRNA decay. While truncating variants in TTN are present in 1-3% of the general population, truncating variants in the A-band are the most common cause of dilated cardiomyopathy (DCM) (Herman DS et al. N. Engl. J. Med., 2012 Feb;366:619-28; Roberts AM et al. Sci Transl Med, 2015 Jan;7:270ra6). TTN truncating variants encoded in constitutive exons (PSI >90%) have been found to be significantly associated with DCM regardless of their position in titin (Schafer S et al. Nat. Genet., 2017 01;49:46-53). As such, this alteration is classified as likely pathogenic.

NM_001267550.2(TTN):c.80651T>A (p.Leu26884Ter)

Genes: TTN (titin; minus strand), TTN-AS1 (TTN antisense RNA 1; plus strand). Cytogenetic location: 2q31.2.
Variant type: single nucleotide variant.
Coding change: c.80651T>A on transcript NM_001267550.2 (MANE Select); coding-DNA position 80651, T replaced by A.
Protein change: p.Leu26884Ter; replaces leucine 26884 with a stop codon.
Molecular consequence: nonsense.
Genome position (GRCh38, 1-based): chr2:178,565,481, A>T on the plus strand (T>A on the coding strand, the complement: TTN is on the minus strand). VCF-style: chr2-178565481-A-T. GRCh37 (hg19) VCF-style: chr2-179430208-A-T.
Other names: c.75728T>A, p.Leu25243Ter (NM_001256850.1); c.53456T>A, p.Leu17819Ter (NM_003319.4); c.72947T>A, p.Leu24316Ter (NM_133378.4); c.53831T>A, p.Leu17944Ter (NM_133432.3); c.54032T>A, p.Leu18011Ter (NM_133437.4); short protein forms L17819*, L17944*, L18011*, L26884*, L24316*, L25243*.
Identifiers: ClinVar variation 1746950 (VCV001746950.2), dbSNP rs2468248886, ClinGen allele CA349587209.
Genomic context (GRCh38, chr2:178,565,481, plus strand): 5'-ATAACTGGAATTTCTATTTTAAGATCTTCTCCAGCTTGGATACTATATGTGTTAAATGGT[A>T]ACTTTAAACTAGGCTGTATAGTCAAGTCCTTGGCTATGACAGGAACACCCAACACTCTTG-3'